The following is an entry in ClinVar:

NM_000535.7(PMS2):c.2225A>G (p.Asn742Ser)

Gene: PMS2 (PMS1 homolog 2, mismatch repair system component; minus strand). Cytogenetic location: 7p22.1.
Variant type: single nucleotide variant.
Coding change: c.2225A>G on transcript NM_000535.7 (MANE Select); coding-DNA position 2225, A replaced by G.
Protein change: p.Asn742Ser; replaces asparagine 742 with serine.
Molecular consequence: missense variant. On other transcripts: non-coding transcript variant (1).
Genome position (GRCh38, 1-based): chr7:5,978,646, T>C on the plus strand (A>G on the coding strand, the complement: PMS2 is on the minus strand). VCF-style: chr7-5978646-T-C. GRCh37 (hg19) VCF-style: chr7-6018277-T-C.
Other names: c.1820A>G, p.Asn607Ser (NM_001018040.1, NM_001322003.2, NM_001322004.2 and 15 more transcripts); c.2069A>G, p.Asn690Ser (NM_001322006.2, NM_001406870.1); c.1907A>G, p.Asn636Ser (NM_001322007.2, NM_001322008.2, NM_001406876.1 and 1 more transcripts); c.1664A>G, p.Asn555Ser (NM_001322010.2, NM_001406906.1, NM_001406907.1); c.1292A>G, p.Asn431Ser (NM_001322011.2, NM_001322012.2); c.1652A>G, p.Asn551Ser (NM_001322013.2, NM_001406908.1, NM_001406909.1); c.2225A>G, p.Asn742Ser (NM_001322014.2); c.1916A>G, p.Asn639Ser (NM_001322015.2, NM_001406875.1, NM_001406877.1 and 5 more transcripts); and 14 more; short protein forms N341S, N485S, N551S, N584S, N630S, N636S, N639S, N686S.
Identifiers: ClinVar variation 1787983 (VCV001787983.5), dbSNP rs1270301186, ClinGen allele CA366736721.

ClinVar aggregate classification (germline): Uncertain significance. Review status: criteria provided, multiple submitters, no conflicts (2 of 4 stars). 4 submissions from 4 submitters: Uncertain significance (4). Last evaluated 2025-09-22.

Conditions:
Hereditary cancer-predisposing syndrome. Also called: Neoplastic Syndromes, Hereditary; Tumor predisposition; Hereditary Cancer Syndrome; Hereditary neoplastic syndrome. Identifiers: Orphanet 140162, MedGen C0027672, MeSH D009386, MONDO:0015356.
Hereditary nonpolyposis colorectal neoplasms. Identifiers: MedGen C0009405, MeSH D003123.

Allele frequency attached by ClinVar (database versions not stated): TOPMed below 0.00001.

Submissions (4):

Labcorp Genetics (formerly Invitae), Labcorp
Classification: Uncertain significance for Hereditary nonpolyposis colorectal neoplasms. Last evaluated: 2025-09-22. Review status: criteria provided, single submitter. Criteria: Invitae Variant Classification Sherloc (09022015). Collection method: clinical testing. Allele origin: germline.
Comment: This sequence change replaces asparagine, which is neutral and polar, with serine, which is neutral and polar, at codon 742 of the PMS2 protein (p.Asn742Ser). The frequency data for this variant in the population databases (gnomAD) is considered unreliable due to the presence of homologous sequence, such as pseudogenes or paralogs, in the genome. This variant has not been reported in the literature in individuals affected with PMS2-related conditions. ClinVar contains an entry for this variant (Variation ID: 1787983). Invitae Evidence Modeling incorporating data from in vitro experimental studies (internal data) indicates that this missense variant is not expected to disrupt PMS2 function with a negative predictive value of 95%. In summary, the available evidence is currently insufficient to determine the role of this variant in disease. Therefore, it has been classified as a Variant of Uncertain Significance.

Color Diagnostics, LLC DBA Color Health
Classification: Uncertain significance for Hereditary cancer-predisposing syndrome. Last evaluated: 2024-03-24. Review status: criteria provided, single submitter. Criteria: ACMG Guidelines, 2015. Collection method: clinical testing. Allele origin: germline.
Comment: This missense variant replaces asparagine with serine at codon 742 of the PMS2 protein. Computational prediction is inconclusive regarding the impact of this variant on protein structure and function (internally defined REVEL score threshold 0.5 < inconclusive < 0.7, PMID: 27666373). To our knowledge, functional studies have not been reported for this variant. This variant has not been reported in individuals affected with PMS2-related disorders in the literature. This variant has not been identified in the general population by the Genome Aggregation Database (gnomAD). The available evidence is insufficient to determine the role of this variant in disease conclusively. Therefore, this variant is classified as a Variant of Uncertain Significance.

Institute for Biomarker Research, Medical Diagnostic Laboratories, L.L.C.
Classification: Uncertain significance for Hereditary cancer-predisposing syndrome. Last evaluated: 2024-03-22. Review status: criteria provided, single submitter. Criteria: ACMG Guidelines, 2015. Collection method: clinical testing. Allele origin: germline.

Ambry Genetics
Classification: Uncertain significance for Hereditary cancer-predisposing syndrome. Last evaluated: 2020-08-04. Review status: criteria provided, single submitter. Criteria: Ambry Variant Classification Scheme 2023. Collection method: clinical testing. Allele origin: germline.
Comment: The p.N742S variant (also known as c.2225A>G), located in coding exon 13 of the PMS2 gene, results from an A to G substitution at nucleotide position 2225. The asparagine at codon 742 is replaced by serine, an amino acid with highly similar properties. This amino acid position is highly conserved in available vertebrate species. In addition, the in silico prediction for this alteration is inconclusive. Since supporting evidence is limited at this time, the clinical significance of this alteration remains unclear.